The following is an entry in ClinVar:

NM_004333.6(BRAF):c.1294T>A (p.Ser432Thr)

Gene: BRAF (B-Raf proto-oncogene, serine/threonine kinase; minus strand). Cytogenetic location: 7q34.
Variant type: single nucleotide variant.
Coding change: c.1294T>A on transcript NM_004333.6 (MANE Select); coding-DNA position 1294, T replaced by A.
Protein change: p.Ser432Thr; replaces serine 432 with threonine.
Molecular consequence: missense variant.
Genome position (GRCh38, 1-based): chr7:140,783,041, A>T on the plus strand (T>A on the coding strand, the complement: BRAF is on the minus strand). VCF-style: chr7-140783041-A-T. GRCh37 (hg19) VCF-style: chr7-140482841-A-T.
Other names: c.1294T>A, p.Ser432Thr (NM_001354609.2, NM_001378468.1, NM_001378474.1); c.1414T>A, p.Ser472Thr (NM_001374244.1, NM_001374258.1); c.1303T>A, p.Ser435Thr (NM_001378467.1); c.1228T>A, p.Ser410Thr (NM_001378469.1); c.1192T>A, p.Ser398Thr (NM_001378470.1); c.1183T>A, p.Ser395Thr (NM_001378471.1); c.1138T>A, p.Ser380Thr (NM_001378472.1, NM_001378473.1); c.1030T>A, p.Ser344Thr (NM_001378475.1); short protein forms S380T, S344T, S395T, S398T, S432T, S435T, S410T, S472T.
Identifiers: ClinVar variation 3992543 (VCV003992543.1).

ClinVar aggregate classification (germline): Uncertain significance (1 of 4 stars; one submission).

Conditions:
Cardiovascular phenotype. Identifiers: MedGen CN230736.

Submission:

Ambry Genetics
Classification: Uncertain significance for Cardiovascular phenotype. Last evaluated: 2025-05-24. Review status: criteria provided, single submitter. Criteria: Ambry Variant Classification Scheme 2023. Collection method: clinical testing. Allele origin: germline.
Comment: The p.S432T variant (also known as c.1294T>A), located in coding exon 10 of the BRAF gene, results from a T to A substitution at nucleotide position 1294. The serine at codon 432 is replaced by threonine, an amino acid with similar properties. This amino acid position is conserved. In addition, this alteration is predicted to be tolerated by in silico analysis. Based on the available evidence, the clinical significance of this variant remains unclear.